The following is an entry in ClinVar:

ClinVar aggregate classification (germline): Benign (1 of 4 stars; one submission).

Conditions:
Isolated focal non-epidermolytic palmoplantar keratoderma. Also called: Palmoplantar keratoderma, nonepidermolytic, focal 2. Identifiers: Orphanet 448264, MedGen C4225339, MONDO:0014622, OMIM 616400.

Allele frequency attached by ClinVar (database versions not stated): gnomAD 0.00091 and 0.00089; 1000 Genomes Project 30x 0.00156; TOPMed 0.00086; 1000 Genomes Project 0.00140.

Submission:

Illumina Laboratory Services, Illumina
Classification: Benign for Isolated focal non-epidermolytic palmoplantar keratoderma. Last evaluated: 2018-01-12. Review status: criteria provided, single submitter. Criteria: ICSL Variant Classification Criteria 13 December 2019. Collection method: clinical testing. Allele origin: germline.
Comment: This variant was observed in the ICSL laboratory as part of a predisposition screen in an ostensibly healthy population. It had not been previously curated by ICSL or reported in the Human Gene Mutation Database (HGMD: prior to June 1st, 2018), and was therefore a candidate for classification through an automated scoring system. Utilizing variant allele frequency, disease prevalence and penetrance estimates, and inheritance mode, an automated score was calculated to assess if this variant is too frequent to cause the disease. Based on the score and internal cut-off values, a variant classified as benign is not then subjected to further curation. The score for this variant resulted in a classification of benign for this disease.

NM_145068.4(TRPV3):c.*2477T>G

Genes: SPATA22 (spermatogenesis associated 22; minus strand), TRPV3 (transient receptor potential cation channel subfamily V member 3; minus strand). Cytogenetic location: 17p13.2.
Variant type: single nucleotide variant.
Coding change: c.*2477T>G on transcript NM_145068.4 (MANE Select); 2477 bases downstream of the stop codon, T replaced by G.
Molecular consequence: 3 prime UTR variant. On other transcripts: intron variant (2).
Genome position (GRCh38, 1-based): chr17:3,511,440, A>C on the plus strand (T>G on the coding strand, the complement: TRPV3 is on the minus strand). VCF-style: chr17-3511440-A-C. GRCh37 (hg19) VCF-style: chr17-3414734-A-C.
Other names: c.*2477T>G (NM_001258205.2); c.-74+1972T>G (NM_001321336.2, NM_001321337.2).
Identifiers: ClinVar variation 890882 (VCV000890882.6), dbSNP rs574572785, ClinGen allele CA286987387.